The following is an entry in ClinVar:

NM_004360.5(CDH1):c.2562C>A (p.Asp854Glu)

Gene: CDH1 (cadherin 1; plus strand). Cytogenetic location: 16q22.1.
Variant type: single nucleotide variant.
Coding change: c.2562C>A on transcript NM_004360.5 (MANE Select); coding-DNA position 2562, C replaced by A.
Protein change: p.Asp854Glu; replaces aspartic acid 854 with glutamic acid.
Molecular consequence: missense variant.
Genome position (GRCh38, 1-based): chr16:68,833,412, C>A. VCF-style: chr16-68833412-C-A. GRCh37 (hg19) VCF-style: chr16-68867315-C-A.
Other names: c.2379C>A, p.Asp793Glu (NM_001317184.2); c.1014C>A, p.Asp338Glu (NM_001317185.2); c.597C>A, p.Asp199Glu (NM_001317186.2); short protein forms D793E, D199E, D338E, D854E.
Identifiers: ClinVar variation 2823378 (VCV002823378.4), dbSNP rs1172127740, ClinGen allele CA396472463.

ClinVar aggregate classification (germline): Uncertain significance. Review status: criteria provided, multiple submitters, no conflicts (2 of 4 stars). 2 submissions from 2 submitters: Uncertain significance (2). Last evaluated 2023-12-10.

Conditions:
Hereditary cancer-predisposing syndrome. Also called: Neoplastic Syndromes, Hereditary; Hereditary Cancer Syndrome; Hereditary neoplastic syndrome; Tumor predisposition. Identifiers: Orphanet 140162, MedGen C0027672, MeSH D009386, MONDO:0015356.
Hereditary diffuse gastric adenocarcinoma (HDGC). Also called: DIFFUSE GASTRIC AND LOBULAR BREAST CANCER SYNDROME. Identifiers: Orphanet 26106, MedGen C1708349, MONDO:0007648, OMIM 137215.

Allele frequency attached by ClinVar (database versions not stated): TOPMed 0.00001.

Submissions (2):

Ambry Genetics
Classification: Uncertain significance for Hereditary cancer-predisposing syndrome. Last evaluated: 2023-12-10. Review status: criteria provided, single submitter. Criteria: Ambry Variant Classification Scheme 2023. Collection method: clinical testing. Allele origin: germline.
Comment: The p.D854E variant (also known as c.2562C>A), located in coding exon 16 of the CDH1 gene, results from a C to A substitution at nucleotide position 2562. The aspartic acid at codon 854 is replaced by glutamic acid, an amino acid with highly similar properties. This amino acid position is conserved. In addition, this alteration is predicted to be tolerated by in silico analysis. Since supporting evidence is limited at this time, the clinical significance of this alteration remains unclear.

Labcorp Genetics (formerly Invitae), Labcorp
Classification: Uncertain significance for Hereditary diffuse gastric adenocarcinoma. Last evaluated: 2022-12-22. Review status: criteria provided, single submitter. Criteria: Invitae Variant Classification Sherloc (09022015). Collection method: clinical testing. Allele origin: germline.
Comment: This variant is not present in population databases (gnomAD no frequency). In summary, the available evidence is currently insufficient to determine the role of this variant in disease. Therefore, it has been classified as a Variant of Uncertain Significance. Algorithms developed to predict the effect of missense changes on protein structure and function are either unavailable or do not agree on the potential impact of this missense change (SIFT: "Tolerated"; PolyPhen-2: "Probably Damaging"; Align-GVGD: "Class C0"). This variant has not been reported in the literature in individuals affected with CDH1-related conditions. This sequence change replaces aspartic acid, which is acidic and polar, with glutamic acid, which is acidic and polar, at codon 854 of the CDH1 protein (p.Asp854Glu).